The following is an entry in ClinVar:

NM_000096.4(CP):c.1337T>C (p.Leu446Pro)

Gene: CP (ceruloplasmin; minus strand). Cytogenetic location: 3q25.1.
Variant type: single nucleotide variant.
Coding change: c.1337T>C on transcript NM_000096.4 (MANE Select); coding-DNA position 1337, T replaced by C.
Protein change: p.Leu446Pro; replaces leucine 446 with proline.
Molecular consequence: missense variant. On other transcripts: non-coding transcript variant (1).
Genome position (GRCh38, 1-based): chr3:149,202,113, A>G on the plus strand (T>C on the coding strand, the complement: CP is on the minus strand). VCF-style: chr3-149202113-A-G. GRCh37 (hg19) VCF-style: chr3-148919900-A-G.
Other names: short protein forms L446P.
Identifiers: ClinVar variation 1038552 (VCV001038552.7), dbSNP rs1727368255, ClinGen allele CA354909554.
Genomic context (GRCh38, chr3:149,202,113, plus strand): 5'-TAGCCCATGGGAAGAGTAAACCAGCCATATATATTCTGCAAGAACTCACCCAGGATGCCA[A>G]GATGCTCTTCTTCAGGGCCTCTCTCCTTTCGATTTGTGAAGGAGGCATCTGTGTACTCAC-3'
Protein context (NP_000087.2, residues 436-456): RKERGPEEEH[Leu446Pro]GILGPVIWAE

ClinVar aggregate classification (germline): Uncertain significance (1 of 4 stars; one submission).

Conditions:
Deficiency of ferroxidase (ACEP). Also called: Aceruloplasminemia; Deficiency of ceruloplasmin; NEURODEGENERATION WITH BRAIN IRON ACCUMULATION 10; Ceruloplasmin deficiency; Familial apoceruloplasmin deficiency; Hereditary ceruloplasmin deficiency. Identifiers: Orphanet 48818, MedGen C0878682, MONDO:0011426, OMIM 604290, HP:0025498.

gnomAD v4.1: 1 of 1,614,114 alleles (0.000062%); highest among the groups gnomAD compares: Non-Finnish European, 0.000085%; no homozygotes.

Submission:

Labcorp Genetics (formerly Invitae), Labcorp
Classification: Uncertain significance for Deficiency of ferroxidase. Last evaluated: 2021-11-27. Review status: criteria provided, single submitter. Criteria: Invitae Variant Classification Sherloc (09022015). Collection method: clinical testing. Allele origin: germline.
Comment: This variant is not present in population databases (gnomAD no frequency). This sequence change replaces leucine, which is neutral and non-polar, with proline, which is neutral and non-polar, at codon 446 of the CP protein (p.Leu446Pro). This variant has not been reported in the literature in individuals affected with CP-related conditions. ClinVar contains an entry for this variant (Variation ID: 1038552). Advanced modeling of protein sequence and biophysical properties (such as structural, functional, and spatial information, amino acid conservation, physicochemical variation, residue mobility, and thermodynamic stability) performed at Invitae indicates that this missense variant is expected to disrupt CP protein function. In summary, the available evidence is currently insufficient to determine the role of this variant in disease. Therefore, it has been classified as a Variant of Uncertain Significance.